The following is an entry in ClinVar:

ClinVar aggregate classification (germline): Uncertain significance (1 of 4 stars; one submission).

Conditions:
Familial hemiplegic migraine. Identifiers: MedGen C0338484, MONDO:0000700.

Submission:

Labcorp Genetics (formerly Invitae), Labcorp
Classification: Uncertain significance for Familial hemiplegic migraine. Last evaluated: 2023-06-10. Review status: criteria provided, single submitter. Criteria: Invitae Variant Classification Sherloc (09022015). Collection method: clinical testing. Allele origin: germline.
Comment: This sequence change replaces isoleucine, which is neutral and non-polar, with asparagine, which is neutral and polar, at codon 518 of the ATP1A2 protein (p.Ile518Asn). This variant is not present in population databases (gnomAD no frequency). This variant has not been reported in the literature in individuals affected with ATP1A2-related conditions. Advanced modeling of protein sequence and biophysical properties (such as structural, functional, and spatial information, amino acid conservation, physicochemical variation, residue mobility, and thermodynamic stability) performed at Invitae indicates that this missense variant is expected to disrupt ATP1A2 protein function. In summary, the available evidence is currently insufficient to determine the role of this variant in disease. Therefore, it has been classified as a Variant of Uncertain Significance.

NM_000702.4(ATP1A2):c.1553T>A (p.Ile518Asn)

Gene: ATP1A2 (ATPase Na+/K+ transporting subunit alpha 2; plus strand). Cytogenetic location: 1q23.2.
Variant type: single nucleotide variant.
Coding change: c.1553T>A on transcript NM_000702.4 (MANE Select); coding-DNA position 1553, T replaced by A.
Protein change: p.Ile518Asn; replaces isoleucine 518 with asparagine.
Molecular consequence: missense variant.
Genome position (GRCh38, 1-based): chr1:160,130,193, T>A. VCF-style: chr1-160130193-T-A. GRCh37 (hg19) VCF-style: chr1-160099983-T-A.
Other names: short protein forms I518N.
Identifiers: ClinVar variation 2710328 (VCV002710328.3), dbSNP rs2524872310, ClinGen allele CA343243244.